The following is an entry in ClinVar:

NM_000463.3(UGT1A1):c.1070A>G (p.Gln357Arg)

Genes: UGT1A3 (UDP glucuronosyltransferase family 1 member A3; plus strand), UGT1A4 (UDP glucuronosyltransferase family 1 member A4; plus strand), UGT1A (UDP glucuronosyltransferase family 1 member A complex locus; plus strand), UGT1A1 (UDP glucuronosyltransferase family 1 member A1; plus strand), UGT1A10 (UDP glucuronosyltransferase family 1 member A10; plus strand) and 5 more. Cytogenetic location: 2q37.1.
Variant type: single nucleotide variant.
Coding change: c.1070A>G on transcript NM_000463.3 (MANE Select); coding-DNA position 1070, A replaced by G.
Protein change: p.Gln357Arg; replaces glutamine 357 with arginine.
Molecular consequence: missense variant.
Genome position (GRCh38, 1-based): chr2:233,767,922, A>G. VCF-style: chr2-233767922-A-G. GRCh37 (hg19) VCF-style: chr2-234676568-A-G.
Other names: c.1061A>G, p.Gln354Arg (NM_019075.4, NM_019076.5, NM_019077.3 and 1 more transcripts); c.1067A>G, p.Gln356Arg (NM_001072.4); c.266A>G, p.Gln89Arg (NM_205862.3); c.1073A>G, p.Gln358Arg (NM_019078.2, NM_007120.3, NM_019093.4); short protein forms Q357R, Q354R, Q356R, Q358R, Q89R.
Identifiers: ClinVar variation 12283 (VCV000012283.10), dbSNP rs72551351, ClinGen allele CA122091.
Genomic context (GRCh38, chr2:233,767,922, plus strand): 5'-ACACTGGAACCCGACCATCGAATCTTGCGAACAACACGATACTTGTTAAGTGGCTACCCC[A>G]AAACGATCTGCTTGGTATGTTGGGCGGATTGGATGTATAGGTCAAACCAGGGTCAAATTA-3'
Protein context (NP_000454.1, residues 347-367): NNTILVKWLP[Gln357Arg]NDLLGHPMTR

ClinVar aggregate classification (germline): Pathogenic/Likely pathogenic. Review status: criteria provided, multiple submitters, no conflicts (2 of 4 stars). 6 submissions from 6 submitters: Pathogenic (1); Likely pathogenic (3). 2 of the submissions do not count toward it. Last evaluated 2024-05-31.

Conditions:
UGT1A1-related disorder. Also called: UGT1A1-related condition; UGT1A1-related disorders.
Lucey-Driscoll syndrome (HBLRTFN). Also called: Transient familial neonatal hyperbilirubinemia. Identifiers: Orphanet 2312, MedGen C0270210, MONDO:0009383, OMIM 237900.
Crigler-Najjar syndrome, type II. Also called: HYPERBILIRUBINEMIA, CRIGLER-NAJJAR TYPE II; Crigler Najjar syndrome, type 2; Mutation in the UDP-glucuronosyl-transferase gene. Identifiers: Orphanet 205, Orphanet 79235, MedGen C2931132, MONDO:0011725, OMIM 606785.
Crigler-Najjar syndrome type 1. Also called: HYPERBILIRUBINEMIA, CRIGLER-NAJJAR TYPE I. Identifiers: Orphanet 79234, MedGen C0010324, MONDO:0021020, OMIM 218800.
BILIRUBIN, SERUM LEVEL OF, QUANTITATIVE TRAIT LOCUS 1 (BILIQTL1). Identifiers: MedGen C1866173, OMIM 601816.
Gilbert syndrome. Also called: HYPERBILIRUBINEMIA, GILBERT TYPE; HYPERBILIRUBINEMIA I; HYPERBILIRUBINEMIA, ARIAS TYPE; Gilbert's syndrome; Gilbert Disease. Identifiers: MedGen C0017551, MONDO:0007745, OMIM 143500.

Allele frequency attached by ClinVar (database versions not stated): gnomAD exomes below 0.00001.
gnomAD v4.1: 1 of 1,614,240 alleles (0.000062%); highest among the groups gnomAD compares: South Asian, 0.0011%; no homozygotes.

Submissions (6):

Fulgent Genetics
Classification: Likely pathogenic for Gilbert syndrome; Crigler-Najjar syndrome type 1; Lucey-Driscoll syndrome; BILIRUBIN, SERUM LEVEL OF, QUANTITATIVE TRAIT LOCUS 1; Crigler-Najjar syndrome, type II. Last evaluated: 2024-05-31. Review status: criteria provided, single submitter. Criteria: ACMG Guidelines, 2015. Collection method: clinical testing. Allele origin: germline.

Genomic Medicine Center of Excellence, King Faisal Specialist Hospital and Research Centre
Classification: Likely pathogenic for Gilbert syndrome. Last evaluated: 2024-03-17. Review status: criteria provided, single submitter. Criteria: ACMG Guidelines, 2015. Collection method: research. Allele origin: germline.

Revvity Omics, Revvity
Classification: Likely pathogenic. Last evaluated: 2022-01-19. Review status: criteria provided, single submitter. Criteria: ACMG Guidelines, 2015. Collection method: clinical testing. Allele origin: germline.

Blueprint Genetics
Classification: Pathogenic for UGT1A1-related disorders. Last evaluated: 2021-04-23. Review status: criteria provided, single submitter. Criteria: ACMG Guidelines, 2015. Collection method: clinical testing. Allele origin: germline. Affected: yes. Observed: 1 variant allele.

Neonatal Research Center, Shiraz University of Medical Science
Classification: Pathogenic for Crigler-Najjar syndrome type 1. Last evaluated: 2021-03-10. Review status: no assertion criteria provided. Collection method: research. Allele origin: germline. Inheritance: Autosomal recessive inheritance. Affected: yes. Observed: 1 variant allele, 1 homozygote. Not counted in ClinVar's aggregate classification.
Comment: The patients are the offspring of consanguineous marriage. They were treated using liver transplantation. Based on predictors, the impact of the c.1070A>G mutation on protein structure is deleterious, damaging, and likely disease-causing. The p.Gln357Arg mutation previously established as a pathogenic variant and well-established in vitro functional studies supportive of a damaging effect on the UGT1A1 gene product. The p.Gln357Arg mutation cosegregation with CNS-1 disease in multiple affected family members in a gene definitively known to cause the disease, and patientâ€™s phenotype is highly specific for a disease with a single genetic etiology.

OMIM
Classification: Pathogenic for CRIGLER-NAJJAR SYNDROME, TYPE I. Last evaluated: 2002-05-01. Review status: no assertion criteria provided. Collection method: literature only. Allele origin: germline. Not counted in ClinVar's aggregate classification.

Literature cited by the submitters: PubMed 11968090 (cited by Neonatal Research Center, Shiraz University of Medical Science and OMIM).